The following is an entry in ClinVar:

ClinVar aggregate classification (germline): Pathogenic/Likely pathogenic. Review status: criteria provided, multiple submitters, no conflicts (2 of 4 stars). 8 submissions from 8 submitters: Pathogenic (3); Likely pathogenic (3). 2 of the submissions do not count toward it. Last evaluated 2025-05-05.

Conditions:
Familial cancer of breast. Also called: hereditary breast carcinoma; BREAST CANCER, FAMILIAL; Hereditary breast cancer. Identifiers: Orphanet 227535, MedGen C0346153, MONDO:0016419, OMIM 114480. Disease mechanism: loss of function.
Fanconi anemia complementation group J. Also called: BRIP1-Related Fanconi Anemia. Identifiers: Orphanet 84, MedGen C1836860, MONDO:0012187, OMIM 609054.
Ovarian neoplasm. Also called: Ovarian tumor; Neoplasm of ovary; Ovarian Neoplasms. Identifiers: MedGen C0919267, MeSH D010051, MONDO:0021068, HP:0100615.
Malignant tumor of breast. Also called: Malignant breast neoplasm; Cancer breast. Identifiers: MedGen C0006142, MONDO:0007254. Disease mechanism: loss of function.
Hereditary cancer-predisposing syndrome. Also called: Neoplastic Syndromes, Hereditary; Hereditary neoplastic syndrome; Tumor predisposition; Hereditary Cancer Syndrome. Identifiers: Orphanet 140162, MedGen C0027672, MeSH D009386, MONDO:0015356.
Breast-ovarian cancer, familial, susceptibility to, 1 (BROVCA1). Also called: BRCA1 Hereditary Breast and Ovarian Cancer; OVARIAN CANCER, SUSCEPTIBILITY TO. Identifiers: Orphanet 145, MedGen C2676676, MONDO:0011450, OMIM 604370. Disease mechanism: loss of function.

Allele frequency attached by ClinVar (database versions not stated): gnomAD exomes below 0.00001.
gnomAD v4.1: 1 of 1,613,924 alleles (0.000062%); highest among the groups gnomAD compares: Non-Finnish European, 0.000085%; no homozygotes.

Submissions (8):

Ambry Genetics
Classification: Likely pathogenic for Hereditary cancer-predisposing syndrome. Last evaluated: 2025-05-05. Review status: criteria provided, single submitter. Criteria: Ambry Variant Classification Scheme 2023. Collection method: clinical testing. Allele origin: germline.
Comment: The c.2258-1G>A intronic variant results from a G to A substitution one nucleotide upstream from coding exon 15 of the BRIP1 gene. This nucleotide position is highly conserved in available vertebrate species. In silico splice site analysis predicts that this alteration will weaken the native splice acceptor site; however, direct evidence is insufficient at this time (Ambry internal data). Alterations that disrupt the canonical splice site are expected to cause aberrant splicing, resulting in an abnormal protein or a transcript that is subject to nonsense-mediated mRNA decay. As such, this alteration is classified as likely pathogenic.

Labcorp Genetics (formerly Invitae), Labcorp
Classification: Pathogenic for Familial cancer of breast; Fanconi anemia complementation group J. Last evaluated: 2025-01-27. Review status: criteria provided, single submitter. Criteria: Invitae Variant Classification Sherloc (09022015). Collection method: clinical testing. Allele origin: germline.
Comment: This sequence change affects an acceptor splice site in intron 15 of the BRIP1 gene. RNA analysis indicates that disruption of this splice site induces altered splicing and may result in an absent or altered protein product. This variant is not present in population databases (gnomAD no frequency). Disruption of this splice site has been observed in individual(s) with breast cancer or ovarian cancer (PMID: 29053726, 30322717, 32885271). ClinVar contains an entry for this variant (Variation ID: 419460). Studies have shown that disruption of this splice site results in skipping of exon 16, and produces a non-functional protein and/or introduces a premature termination codon (internal data). For these reasons, this variant has been classified as Pathogenic.

Myriad Genetics, Inc.
Classification: Likely pathogenic for Familial cancer of breast. Last evaluated: 2023-06-06. Review status: criteria provided, single submitter. Criteria: Myriad Autosomal Dominant, Autosomal Recessive and X-Linked Classification Criteria (2023). Collection method: clinical testing. Allele origin: unknown.
Comment: This variant is considered likely pathogenic. This variant occurs within a consensus splice junction and is predicted to result in abnormal mRNA splicing of either an out-of-frame exon or an in-frame exon necessary for protein stability and/or normal function.

Institute of Human Genetics, University of Leipzig Medical Center
Classification: Pathogenic for Breast-ovarian cancer, familial, susceptibility to, 1. Last evaluated: 2023-01-26. Review status: criteria provided, single submitter. Criteria: ACMG Guidelines, 2015. Collection method: clinical testing. Allele origin: unknown. Affected: yes.
Comment: _x000D_ Criteria applied: PVS1, PS4_MOD, PM2_SUP

Institute for Medical Genetics and Human Genetics, Charité - Universitätsmedizin Berlin
Classification: Likely pathogenic. Last evaluated: 2022-09-27. Review status: criteria provided, single submitter. Criteria: ACMG Guidelines, 2015. Collection method: clinical testing. Allele origin: germline. Affected: yes. Observed: 1 heterozygote.

GeneDx
Classification: Pathogenic. Last evaluated: 2022-05-25. Review status: criteria provided, single submitter. Criteria: GeneDx Variant Classification Process June 2021. Collection method: clinical testing. Allele origin: germline. Affected: yes.
Comment: Canonical splice site variant predicted to result in a null allele in a gene for which loss of function is a known mechanism of disease; Not observed at significant frequency in large population cohorts (gnomAD); This variant is associated with the following publications: (PMID: 29053726, 30322717, 32885271)

German Consortium for Hereditary Breast and Ovarian Cancer, University Hospital Cologne
Classification: Pathogenic for Ovarian neoplasm. Last evaluated: 2018-12-01. Review status: no assertion criteria provided. Collection method: research. Allele origin: germline. Affected: yes. Not counted in ClinVar's aggregate classification.

Department of Pathology and Laboratory Medicine, Sinai Health System
Classification: Pathogenic for Malignant tumor of breast. Review status: no assertion criteria provided. Collection method: clinical testing. Allele origin: unknown. Affected: yes. Observed: 1 variant allele. Study: The Canadian Open Genetics Repository (COGR). Not counted in ClinVar's aggregate classification.
Comment: The BRIP1 c.2258-1G>A variant was not identified in the literature nor was it identified in the dbSNP database. The variant was identified in ClinVar (classified as likely pathogenic by GeneDx). The variant was not identified in the following control databases: the Exome Aggregation Consortium (August 8th 2016) or the Genome Aggregation Database (Feb 27, 2017). The c.2258-1G>A variant is predicted to cause abnormal splicing because the nucleotide substitution occurs in the invariant region of the splice consensus sequence. In addition, 4 of 4 in silico or computational prediction software programs (SpliceSiteFinder, MaxEntScan, NNSPLICE, GeneSplicer) predict a greater than 10% difference in splicing. In summary, based on the above information this variant meets our laboratoryâ€šÃ„Ã´s criteria to be classified as pathogenic.

Literature cited by the submitters: PubMed 29053726 (cited by Labcorp Genetics (formerly Invitae), Labcorp); PubMed 30322717 (cited by Labcorp Genetics (formerly Invitae), Labcorp); PubMed 32885271 (cited by Labcorp Genetics (formerly Invitae), Labcorp).

NM_032043.3(BRIP1):c.2258-1G>A

Gene: BRIP1 (BRCA1 interacting DNA helicase 1; minus strand). Cytogenetic location: 17q23.2.
Variant type: single nucleotide variant.
Coding change: c.2258-1G>A on transcript NM_032043.3 (MANE Select); the canonical splice acceptor site of the intron before coding-DNA position 2258, G replaced by A.
Molecular consequence: splice acceptor variant.
Genome position (GRCh38, 1-based): chr17:61,743,135, C>T on the plus strand (G>A on the coding strand, the complement: BRIP1 is on the minus strand). VCF-style: chr17-61743135-C-T. GRCh37 (hg19) VCF-style: chr17-59820496-C-T.
Identifiers: ClinVar variation 419460 (VCV000419460.24), dbSNP rs1064793887, ClinGen allele CA16620520.